The following is an entry in ClinVar:

ClinVar aggregate classification (germline): Likely pathogenic (1 of 4 stars; one submission).

Conditions:
Finnish congenital nephrotic syndrome (NPHS1). Also called: NEPHROTIC SYNDROME, TYPE 1. Identifiers: Orphanet 839, MedGen C0403399, MONDO:0009732, OMIM 256300.

Submission:

Women's Health and Genetics/Laboratory Corporation of America, LabCorp
Classification: Likely pathogenic for Finnish congenital nephrotic syndrome. Last evaluated: 2025-03-18. Review status: criteria provided, single submitter. Criteria: LabCorp Variant Classification Summary - May 2015. Collection method: clinical testing. Allele origin: germline.
Comment: Variant summary: NPHS1 c.2212+2T>C is located in a canonical splice-site and is predicted to affect mRNA splicing resulting in a significantly altered protein due to either exon skipping, shortening, or inclusion of intronic material. Variants that disrupt the consensus splice site are a relatively common cause of aberrant splicing and loss of NPHS1 function. Several computational tools predict a significant impact on normal splicing: Two predict the variant abolishes a 5' splicing donor site. However, these predictions have yet to be confirmed by functional studies. The variant was absent in 244016 control chromosomes. To our knowledge, no occurrence of c.2212+2T>C in individuals affected with Nephrotic Syndrome, Type 1 and no experimental evidence demonstrating its impact on protein function have been reported. No submitters have cited clinical-significance assessments for this variant to ClinVar. Based on the evidence outlined above, the variant was classified as likely pathogenic.

NM_004646.4(NPHS1):c.2212+2T>C

Gene: NPHS1 (NPHS1 adhesion molecule, nephrin; minus strand). Cytogenetic location: 19q13.12.
Variant type: single nucleotide variant.
Coding change: c.2212+2T>C on transcript NM_004646.4 (MANE Select); the canonical splice donor site of the intron after coding-DNA position 2212, T replaced by C.
Molecular consequence: splice donor variant.
Genome position (GRCh38, 1-based): chr19:35,844,101, A>G on the plus strand (T>C on the coding strand, the complement: NPHS1 is on the minus strand). VCF-style: chr19-35844101-A-G. GRCh37 (hg19) VCF-style: chr19-36335003-A-G.
Identifiers: ClinVar variation 3895573 (VCV003895573.1).